The following is an entry in ClinVar:

ClinVar aggregate classification (germline): Likely benign (1 of 4 stars; one submission).

Allele frequency attached by ClinVar (database versions not stated): 1000 Genomes Project 30x 0.00125; gnomAD 0.00146; gnomAD exomes 0.00153; ExAC 0.00192.
gnomAD v4.1: 2,278 of 1,481,316 alleles (0.15%); highest among the groups gnomAD compares: Middle Eastern, 0.28%; 17 homozygotes.

Submission:

CeGaT Center for Human Genetics Tuebingen
Classification: Likely benign. Last evaluated: 2022-10-01. Review status: criteria provided, single submitter. Criteria: CeGaT Center For Human Genetics Tuebingen Variant Classification Criteria Version 2. Collection method: clinical testing. Allele origin: germline. Affected: yes. Observed: 1 variant allele.
Comment: LPA: BP4, BS2

NM_005577.4(LPA):c.1064C>T (p.Pro355Leu)

Gene: LPA (lipoprotein(a); minus strand). Cytogenetic location: 6q26.
Variant type: single nucleotide variant.
Coding change: c.1064C>T on transcript NM_005577.4 (MANE Select); coding-DNA position 1064, C replaced by T.
Protein change: p.Pro355Leu; replaces proline 355 with leucine.
Molecular consequence: missense variant.
Genome position (GRCh38, 1-based): chr6:160,635,134, G>A on the plus strand (C>T on the coding strand, the complement: LPA is on the minus strand). VCF-style: chr6-160635134-G-A. GRCh37 (hg19) VCF-style: chr6-161056166-G-A.
Other names: short protein forms P355L.
Identifiers: ClinVar variation 2657115 (VCV002657115.24), dbSNP rs62442778, ClinGen allele CA4087079.
Genomic context (GRCh38, chr6:160,635,134, plus strand): 5'-TTTCATCCCAGCATCGAAGCGTGTAGATGTCTGGCCACAGACTCCTTACCTTGTTCGGAA[G>A]GAGCCTCTAGGCTTGGAACCGGGGTAACAGTCGGAGGCGCGACGGCAGTCCCTTCTGCGT-3'
Protein context (NP_005568.2, residues 345-365): TVTPVPSLEA[Pro355Leu]SEQAPTEQRP